The following is an entry in ClinVar:

ClinVar aggregate classification (germline): Benign/Likely benign. Review status: criteria provided, multiple submitters, no conflicts (2 of 4 stars). 4 submissions from 4 submitters: Benign (1); Likely benign (2). 1 of the submissions does not count toward it. Last evaluated 2026-07-01.

Conditions:
RAI1-related disorder. Also called: RAI1-related condition.
Inborn genetic diseases. Identifiers: MedGen C0950123, MeSH D030342.

Allele frequency attached by ClinVar (database versions not stated): gnomAD 0.00001 and 0.00004; TOPMed 0.00006; ExAC 0.00008; ESP Exome Variant Server 0.00008; gnomAD exomes 0.00011; 1000 Genomes Project 30x 0.00016; 1000 Genomes Project 0.00020.
gnomAD v4.1: 78 of 1,614,044 alleles (0.0048%); highest among the groups gnomAD compares: South Asian, 0.038%; no homozygotes.

Submissions (4):

CeGaT Center for Human Genetics Tuebingen
Classification: Likely benign. Last evaluated: 2026-07-01. Review status: criteria provided, single submitter. Criteria: CeGaT Center For Human Genetics Tuebingen Variant Classification Criteria Version 2. Collection method: clinical testing. Allele origin: germline. Affected: yes. Observed: 1 variant allele.
Comment: RAI1: BP4, BP7

Labcorp Genetics (formerly Invitae), Labcorp
Classification: Likely benign. Last evaluated: 2026-01-19. Review status: criteria provided, single submitter. Criteria: Invitae Variant Classification Sherloc (09022015). Collection method: clinical testing. Allele origin: germline.

Ambry Genetics
Classification: Benign for Inborn genetic diseases. Last evaluated: 2019-06-07. Review status: criteria provided, single submitter. Criteria: Ambry Variant Classification Scheme 2023. Collection method: clinical testing. Allele origin: germline.

PreventionGenetics, part of Exact Sciences
Classification: Likely benign for RAI1-related condition. Last evaluated: 2021-09-02. Review status: no assertion criteria provided. Collection method: clinical testing. Allele origin: germline. Not counted in ClinVar's aggregate classification.
Comment: This variant is classified as likely benign based on ACMG/AMP sequence variant interpretation guidelines (Richards et al. 2015 PMID: 25741868, with internal and published modifications).

NM_030665.4(RAI1):c.2199C>T (p.Thr733=)

Gene: RAI1 (retinoic acid induced 1; plus strand). Cytogenetic location: 17p11.2.
Variant type: single nucleotide variant.
Coding change: c.2199C>T on transcript NM_030665.4 (MANE Select); coding-DNA position 2199, C replaced by T.
Protein change: p.Thr733=; no amino-acid change (threonine 733 retained).
Molecular consequence: synonymous variant.
Genome position (GRCh38, 1-based): chr17:17,795,147, C>T. VCF-style: chr17-17795147-C-T. GRCh37 (hg19) VCF-style: chr17-17698461-C-T.
Identifiers: ClinVar variation 1594666 (VCV001594666.13), dbSNP rs373517492, ClinGen allele CA8418486.